The following is an entry in ClinVar:

ClinVar aggregate classification (germline): Pathogenic/Likely pathogenic. Review status: criteria provided, multiple submitters, no conflicts (2 of 4 stars). 2 submissions from 2 submitters: Pathogenic (1); Likely pathogenic (1). Last evaluated 2025-10-25.

Submissions (2):

Dasa
Classification: Likely pathogenic. Last evaluated: 2025-10-25. Review status: criteria provided, single submitter. Criteria: DASA Assertion Criteria. Collection method: clinical testing. Allele origin: germline.
Comment: NM_005726.6(TSFM):c.598A>T (p.Lys200*) is a nonsense variant in TSFM predicted to introduce a premature termination codon and is predicted to result in an absent or altered protein product. Loss of function is an established disease mechanism for TSFM-associated disorders. Also, this variant is absent from population databases. Based on the currently available evidence, this variant is classified as likely pathogenic.

Labcorp Genetics (formerly Invitae), Labcorp
Classification: Pathogenic. Last evaluated: 2023-10-14. Review status: criteria provided, single submitter. Criteria: Invitae Variant Classification Sherloc (09022015). Collection method: clinical testing. Allele origin: germline.
Comment: This sequence change creates a premature translational stop signal (p.Lys221*) in the TSFM gene. While this is not anticipated to result in nonsense mediated decay, it is expected to disrupt the last 126 amino acid(s) of the TSFM protein. This variant is not present in population databases (gnomAD no frequency). This variant has not been reported in the literature in individuals affected with TSFM-related conditions. This variant disrupts a region of the TSFM protein in which other variant(s) (p.Cys336Tyr) have been determined to be pathogenic (PMID: 25037205). This suggests that this is a clinically significant region of the protein, and that variants that disrupt it are likely to be disease-causing. For these reasons, this variant has been classified as Pathogenic.

Literature cited by the submitters: PubMed 25037205 (cited by Labcorp Genetics (formerly Invitae), Labcorp).

NM_005726.6(TSFM):c.598A>T (p.Lys200Ter)

Gene: TSFM (Ts translation elongation factor, mitochondrial; plus strand). Cytogenetic location: 12q14.1.
Variant type: single nucleotide variant.
Coding change: c.598A>T on transcript NM_005726.6 (MANE Select); coding-DNA position 598, A replaced by T.
Protein change: p.Lys200Ter; replaces lysine 200 with a stop codon.
Molecular consequence: nonsense. On other transcripts: 3 prime UTR variant (1), intron variant (1).
Genome position (GRCh38, 1-based): chr12:57,796,203, A>T. VCF-style: chr12-57796203-A-T. GRCh37 (hg19) VCF-style: chr12-58189986-A-T.
Other names: c.*6A>T (NM_001172695.2); c.661A>T, p.Lys221Ter (NM_001172696.2); c.571+3130A>T (NM_001172697.2); short protein forms K200*, K221*.
Identifiers: ClinVar variation 2768235 (VCV002768235.5), dbSNP rs2540964910, ClinGen allele CA385529883.